The following is an entry in ClinVar:

NC_000017.10:g.(?_33427972)_(33434476_?)del

Gene: RAD51D (RAD51 paralog D; minus strand). Cytogenetic location: 17q12.
Variant type: Deletion.
Identifiers: ClinVar variation 2424554 (VCV002424554.4).

ClinVar aggregate classification (germline): Pathogenic (1 of 4 stars; one submission).

Conditions:
Breast-ovarian cancer, familial, susceptibility to, 4. Identifiers: Orphanet 145, MedGen C3280345, MONDO:0013669, OMIM 614291.

Submission:

Labcorp Genetics (formerly Invitae), Labcorp
Classification: Pathogenic for Breast-ovarian cancer, familial, susceptibility to, 4. Last evaluated: 2023-05-11. Review status: criteria provided, single submitter. Criteria: Invitae Variant Classification Sherloc (09022015). Collection method: clinical testing. Allele origin: germline.
Comment: For these reasons, this variant has been classified as Pathogenic. This variant disrupts the ATPase domain and RAD51C interaction domain of the RAD51D protein, which are necessary for the DNA repair activity (PMID: 14704354, 19327148, 21111057, 10749867). While functional studies have not been performed to directly test the effect of this variant on RAD51D protein function, this suggests that disruption of this region of the protein is causative of disease. This variant disrupts a region of the RAD51D protein in which other variant(s) (Exons 9-10 Deletion) have been determined to be pathogenic (PMID: 32427313; Invitae). This suggests that this is a clinically significant region of the protein, and that variants that disrupt it are likely to be disease-causing. This variant has not been reported in the literature in individuals affected with RAD51D-related conditions. This variant is a gross deletion of the genomic region encompassing exon(s) 4-10 of the RAD51D gene, which includes the termination codon. This deletion extends beyond the assayed region for this gene and therefore may encompass additional genes. While this deletion is not anticipated to lead to nonsense mediated decay, it is expected to alter mRNA translation or result in a truncated protein product.

Literature cited by the submitters: PubMed 14704354; PubMed 19327148; PubMed 21111057; PubMed 10749867; PubMed 32427313.